The following is an entry in ClinVar:

NM_005027.4(PIK3R2):c.877G>A (p.Glu293Lys)

Gene: PIK3R2 (phosphoinositide-3-kinase regulatory subunit 2; plus strand). Cytogenetic location: 19p13.11.
Variant type: single nucleotide variant.
Coding change: c.877G>A on transcript NM_005027.4 (MANE Select); coding-DNA position 877, G replaced by A.
Protein change: p.Glu293Lys; replaces glutamic acid 293 with lysine.
Molecular consequence: missense variant. On other transcripts: non-coding transcript variant (2).
Genome position (GRCh38, 1-based): chr19:18,162,027, G>A. VCF-style: chr19-18162027-G-A. GRCh37 (hg19) VCF-style: chr19-18272837-G-A.
Other names: short protein forms E293K.
Identifiers: ClinVar variation 2146441 (VCV002146441.4), dbSNP rs944735069, ClinGen allele CA306170689.

ClinVar aggregate classification (germline): Uncertain significance (1 of 4 stars; one submission).

Conditions:
Megalencephaly-polymicrogyria-postaxial polydactyly-hydrocephalus syndrome. Also called: MEG-PMG-MEGACC SYNDROME; MPPH Syndrome. Identifiers: Orphanet 83473, MedGen C1863924, MONDO:0019375.

Allele frequency attached by ClinVar (database versions not stated): gnomAD 0.00001.

Submission:

Labcorp Genetics (formerly Invitae), Labcorp
Classification: Uncertain significance for Megalencephaly-polymicrogyria-postaxial polydactyly-hydrocephalus syndrome. Last evaluated: 2022-03-12. Review status: criteria provided, single submitter. Criteria: Invitae Variant Classification Sherloc (09022015). Collection method: clinical testing. Allele origin: germline.
Comment: This sequence change replaces glutamic acid, which is acidic and polar, with lysine, which is basic and polar, at codon 293 of the PIK3R2 protein (p.Glu293Lys). In summary, the available evidence is currently insufficient to determine the role of this variant in disease. Therefore, it has been classified as a Variant of Uncertain Significance. Advanced modeling of protein sequence and biophysical properties (such as structural, functional, and spatial information, amino acid conservation, physicochemical variation, residue mobility, and thermodynamic stability) performed at Invitae indicates that this missense variant is not expected to disrupt PIK3R2 protein function. This variant has not been reported in the literature in individuals affected with PIK3R2-related conditions. This variant is present in population databases (no rsID available, gnomAD 0.003%).